The following is an entry in ClinVar:

NM_018341.3(ERMARD):c.529G>A (p.Val177Ile)

Gene: ERMARD (ER membrane associated RNA degradation; plus strand). Cytogenetic location: 6q27.
Variant type: single nucleotide variant.
Coding change: c.529G>A on transcript NM_018341.3 (MANE Select); coding-DNA position 529, G replaced by A.
Protein change: p.Val177Ile; replaces valine 177 with isoleucine.
Molecular consequence: missense variant.
Genome position (GRCh38, 1-based): chr6:169,758,989, G>A. VCF-style: chr6-169758989-G-A. GRCh37 (hg19) VCF-style: chr6-170159085-G-A.
Other names: c.529G>A, p.Val177Ile (NM_001278531.2, NM_001278533.2); c.151G>A, p.Val51Ile (NM_001278532.2); short protein forms V177I, V51I.
Identifiers: ClinVar variation 430141 (VCV000430141.2), dbSNP rs1131691797, ClinGen allele CA366498169.

ClinVar aggregate classification (germline): Uncertain significance (1 of 4 stars; one submission).

Allele frequency attached by ClinVar (database versions not stated): gnomAD exomes below 0.00001; gnomAD 0.00001; TOPMed 0.00002.

Submission:

GeneDx
Classification: Uncertain significance. Last evaluated: 2017-05-22. Review status: criteria provided, single submitter. Criteria: GeneDx Variant Classification (06012015). Collection method: clinical testing. Allele origin: germline. Affected: yes.
Comment: A variant of uncertain significance has been identified in the ERMARD gene. The V177I variant has not been published as a pathogenic variant, nor has it been reported as a benign variant to our knowledge. The V177I variant is not observed in large population cohorts (Lek et al., 2016; 1000 Genomes Consortium et al., 2015; Exome Variant Server). The V177I variant is a conservative amino acid substitution, which is not likely to impact secondary protein structure as these residues share similar properties. This substitution occurs at a position where amino acids with similar properties to Valine are tolerated across species. In silico analysis predicts this variant likely does not alter the protein structure/function. Based on the currently available information, it is unclear whether this variant is a pathogenic variant or a rare benign variant.